The following is an entry in ClinVar:

ClinVar aggregate classification (germline): Uncertain significance. Review status: criteria provided, multiple submitters, no conflicts (2 of 4 stars). 10 submissions from 9 submitters: Uncertain significance (10). Last evaluated 2025-10-06.

Conditions:
Fibromatosis, gingival, 1 (GINGF1). Identifiers: Orphanet 2024, MedGen C4551558, MONDO:0007609, OMIM 135300.
Noonan syndrome 4 (NS4). Also called: NOONAN SYNDROME WITH PIGMENTED VILLONODULAR SYNOVITIS; SOS1-Related Noonan Syndrome. Identifiers: Orphanet 648, MedGen C1853120, MONDO:0012547, OMIM 610733.
Cardiovascular phenotype. Identifiers: MedGen CN230736.
RASopathy. Also called: rasopathies; Noonan spectrum disorder. Identifiers: Orphanet 536391, MedGen C5555857, MONDO:0021060.

Allele frequency attached by ClinVar (database versions not stated): gnomAD exomes 0.00001; TOPMed 0.00001.
gnomAD v4.1: 7 of 1,613,528 alleles (0.00043%); highest among the groups gnomAD compares: Admixed American, 0.005%; no homozygotes.

Submissions (10):

GeneDx
Classification: Uncertain significance. Last evaluated: 2025-10-06. Review status: criteria provided, single submitter. Criteria: GeneDx Variant Classification Process June 2021. Collection method: clinical testing. Allele origin: germline. Affected: yes.
Comment: Missense variants in this gene are a common cause of disease and they are underrepresented in the general population; In silico analysis suggests that this missense variant does not alter protein structure/function; This variant is associated with the following publications: (PMID: 29493581, 37216690)

Labcorp Genetics (formerly Invitae), Labcorp
Classification: Uncertain significance for RASopathy. Last evaluated: 2025-07-27. Review status: criteria provided, single submitter. Criteria: Invitae Variant Classification Sherloc (09022015). Collection method: clinical testing. Allele origin: germline.
Comment: This sequence change replaces serine, which is neutral and polar, with proline, which is neutral and non-polar, at codon 543 of the SOS1 protein (p.Ser543Pro). This variant is present in population databases (no rsID available, gnomAD 0.006%). This missense change has been observed in individual(s) with SOS1-related conditions (PMID: 37216690). ClinVar contains an entry for this variant (Variation ID: 372578). Invitae Evidence Modeling of protein sequence and biophysical properties (such as structural, functional, and spatial information, amino acid conservation, physicochemical variation, residue mobility, and thermodynamic stability) has been performed for this missense variant. However, the output from this modeling did not meet the statistical confidence thresholds required to predict the impact of this variant on SOS1 protein function. In summary, the available evidence is currently insufficient to determine the role of this variant in disease. Therefore, it has been classified as a Variant of Uncertain Significance.

Ambry Genetics
Classification: Uncertain significance for Cardiovascular phenotype. Last evaluated: 2025-01-30. Review status: criteria provided, single submitter. Criteria: Ambry Variant Classification Scheme 2023. Collection method: clinical testing. Allele origin: germline.
Comment: The p.S543P variant (also known as c.1627T>C), located in coding exon 10 of the SOS1 gene, results from a T to C substitution at nucleotide position 1627. The serine at codon 543 is replaced by proline, an amino acid with similar properties. This amino acid position is well conserved in available vertebrate species. In addition, this alteration is predicted to be deleterious by in silico analysis. Based on the available evidence, the clinical significance of this variant remains unclear.

CeGaT Center for Human Genetics Tuebingen
Classification: Uncertain significance. Last evaluated: 2023-12-01. Review status: criteria provided, single submitter. Criteria: CeGaT Center For Human Genetics Tuebingen Variant Classification Criteria Version 2. Collection method: clinical testing. Allele origin: germline. Affected: yes. Observed: 1 variant allele.
Comment: SOS1: PM1, PM2, PP3

Centre of Medical Genetics, University Hospital Muenster
Classification: Uncertain significance. Last evaluated: 2021-12-05. Review status: criteria provided, single submitter. Criteria: ACMG Guidelines, 2015. Collection method: clinical testing. Allele origin: unknown. Affected: yes. Observed: 1 variant allele, 1 heterozygote.
Comment: ACMG categories: PM1,PM2,PP3

Fulgent Genetics
Classification: Uncertain significance for Fibromatosis, gingival, 1; Noonan syndrome 4. Last evaluated: 2021-10-17. Review status: criteria provided, single submitter. Criteria: ACMG Guidelines, 2015. Collection method: clinical testing. Allele origin: unknown.

Blueprint Genetics
Classification: Uncertain significance. Last evaluated: 2019-05-15. Review status: criteria provided, single submitter. Criteria: ACMG Guidelines, 2015. Collection method: clinical testing. Allele origin: germline.

Women's Health and Genetics/Laboratory Corporation of America, LabCorp
Classification: Uncertain significance. Last evaluated: 2017-06-19. Review status: criteria provided, single submitter. Criteria: LabCorp Variant Classification Summary - May 2015. Collection method: clinical testing. Allele origin: germline.
Comment: Variant summary: The SOS1 c.1627T>C (p.Ser543Pro) variant located in the PH domain-like domain (via InterPro) involves the alteration of a conserved nucleotide and 3/4 in silico tools predict a damaging outcome. This variant was found in 3/214708 control chromosomes (gnomAD) at a frequency of 0.000014, which does not exceed the estimated maximal expected allele frequency of a pathogenic SOS1 variant (0.00003). A clinical diagnostic laboratory classified this variant as uncertain significance. The variant of interest has not, to our knowledge, been reported in affected individuals via publications; nor evaluated for functional impact by in vivo/vitro studies. Because of the absence of clinical information and the lack of functional studies, the variant is classified as a "Variant of Uncertain Significance (VUS)," until additional information becomes available.

Genome-Nilou Lab
Classification: Uncertain significance for Noonan syndrome 4. Review status: criteria provided, single submitter. Criteria: ACMG Guidelines, 2015. Collection method: clinical testing. Allele origin: germline.

Genome-Nilou Lab
Classification: Uncertain significance for Fibromatosis, gingival, 1. Review status: criteria provided, single submitter. Criteria: ACMG Guidelines, 2015. Collection method: clinical testing. Allele origin: germline.

Literature cited by the submitters: PubMed 37216690 (cited by Labcorp Genetics (formerly Invitae), Labcorp).

NM_005633.4(SOS1):c.1627T>C (p.Ser543Pro)

Gene: SOS1 (SOS Ras/Rac guanine nucleotide exchange factor 1; minus strand). Cytogenetic location: 2p22.1.
Variant type: single nucleotide variant.
Coding change: c.1627T>C on transcript NM_005633.4 (MANE Select); coding-DNA position 1627, T replaced by C.
Protein change: p.Ser543Pro; replaces serine 543 with proline.
Molecular consequence: missense variant.
Genome position (GRCh38, 1-based): chr2:39,022,801, A>G on the plus strand (T>C on the coding strand, the complement: SOS1 is on the minus strand). VCF-style: chr2-39022801-A-G. GRCh37 (hg19) VCF-style: chr2-39249942-A-G.
Other names: c.1606T>C, p.Ser536Pro (NM_001382394.1); c.1627T>C, p.Ser543Pro (NM_001382395.1); short protein forms S543P, S536P.
Identifiers: ClinVar variation 372578 (VCV000372578.39), dbSNP rs981234810, ClinGen allele CA16042484.